The following is an entry in ClinVar:

ClinVar aggregate classification (germline): Benign/Likely benign. Review status: criteria provided, multiple submitters, no conflicts (2 of 4 stars). 6 submissions from 6 submitters: Benign (1); Likely benign (2). 3 of the submissions do not count toward it. Last evaluated 2026-01-28.

Conditions:
Aortic aneurysm, familial thoracic 7 (AAT7). Also called: AORTIC DISSECTION, FAMILIAL, WITH OR WITHOUT AORTIC ANEURYSM. Identifiers: MedGen C3151077, MONDO:0013418, OMIM 613780.

Allele frequency attached by ClinVar (database versions not stated): gnomAD 0.00018 and 0.00020; TOPMed 0.00018; gnomAD exomes 0.00021; ExAC 0.00030; ESP Exome Variant Server 0.00046.
gnomAD v4.1: 475 of 1,610,666 alleles (0.029%); highest among the groups gnomAD compares: Middle Eastern, 0.049%; no homozygotes.

Submissions (6):

Labcorp Genetics (formerly Invitae), Labcorp
Classification: Likely benign for Aortic aneurysm, familial thoracic 7. Last evaluated: 2026-01-28. Review status: criteria provided, single submitter. Criteria: Invitae Variant Classification Sherloc (09022015). Collection method: clinical testing. Allele origin: germline.

Women's Health and Genetics/Laboratory Corporation of America, LabCorp
Classification: Benign. Last evaluated: 2023-09-16. Review status: criteria provided, single submitter. Criteria: LabCorp Variant Classification Summary - May 2015. Collection method: clinical testing. Allele origin: germline.

GeneDx
Classification: Likely benign. Last evaluated: 2017-08-01. Review status: criteria provided, single submitter. Criteria: GeneDx Variant Classification (06012015). Collection method: clinical testing. Allele origin: germline. Affected: yes.
Comment: This variant is considered likely benign or benign based on one or more of the following criteria: it is a conservative change, it occurs at a poorly conserved position in the protein, it is predicted to be benign by multiple in silico algorithms, and/or has population frequency not consistent with disease.

Clinical Genetics DNA and cytogenetics Diagnostics Lab, Erasmus MC, Erasmus Medical Center
Classification: Benign. Review status: no assertion criteria provided. Collection method: clinical testing. Allele origin: germline. Affected: yes. Study: VKGL Data-share Consensus. Not counted in ClinVar's aggregate classification.

Genome Diagnostics Laboratory, Amsterdam University Medical Center
Classification: Likely benign. Review status: no assertion criteria provided. Collection method: clinical testing. Allele origin: germline. Affected: yes. Study: VKGL Data-share Consensus. Not counted in ClinVar's aggregate classification.

Genome Diagnostics Laboratory, University Medical Center Utrecht
Classification: Likely benign. Review status: no assertion criteria provided. Collection method: clinical testing. Allele origin: germline. Affected: yes. Study: VKGL Data-share Consensus. Not counted in ClinVar's aggregate classification.

NM_053025.4(MYLK):c.1310-20T>C

Gene: MYLK (myosin light chain kinase; minus strand). Cytogenetic location: 3q21.1.
Variant type: single nucleotide variant.
Coding change: c.1310-20T>C on transcript NM_053025.4 (MANE Select); 20 bases into the intron before coding-DNA position 1310, T replaced by C.
Molecular consequence: intron variant.
Genome position (GRCh38, 1-based): chr3:123,733,122, A>G on the plus strand (T>C on the coding strand, the complement: MYLK is on the minus strand). VCF-style: chr3-123733122-A-G. GRCh37 (hg19) VCF-style: chr3-123451969-A-G.
Other names: c.782-20T>C (NM_001321309.2); c.1309+565T>C (NM_053028.4, NM_053026.4); c.1310-20T>C (NM_053027.4).
Identifiers: ClinVar variation 511230 (VCV000511230.12), dbSNP rs375101899, ClinGen allele CA066975.
Genomic context (GRCh38, chr3:123,733,122, plus strand): 5'-TTCCAGGAACCAGGCCACTTCAGGCTTTGGAATCCCGGAAACTACAGGGCCAGGTAAAGA[A>G]CGTGAGCTCCCTATGCCCTGGAGAGCACCCTGTGATTGTGAGGTAGGTGGGGAAGGTGTG-3'